The following is an entry in ClinVar:

ClinVar aggregate classification (germline): Pathogenic (1 of 4 stars; one submission).

Conditions:
Polymicrogyria with or without vascular-type Ehlers-Danlos syndrome. Identifiers: Orphanet 636941, MedGen C5193040, MONDO:0032688, OMIM 618343.

Submission:

Women's Health and Genetics/Laboratory Corporation of America, LabCorp
Classification: Pathogenic for Polymicrogyria with or without vascular-type Ehlers-Danlos syndrome. Last evaluated: 2025-12-24. Review status: criteria provided, single submitter. Criteria: LabCorp Variant Classification Summary - May 2015. Collection method: clinical testing. Allele origin: germline.
Comment: Variant summary: COL3A1 c.3712delC (p.Leu1238SerfsX8) results in a premature termination codon, predicted to cause absence of the protein due to nonsense mediated decay, which is a commonly known mechanism for disease. The variant was absent in 251374 control chromosomes. To our knowledge, no occurrence of c.3712delC in individuals affected with COL3A1-related conditions and no experimental evidence demonstrating its impact on protein function have been reported. No submitters have cited clinical-significance assessments for this variant to ClinVar. Based on the evidence outlined above, the variant was classified as pathogenic.

NM_000090.4(COL3A1):c.3712del (p.Leu1238fs)

Gene: COL3A1 (collagen type III alpha 1 chain; plus strand). Cytogenetic location: 2q32.2.
Variant type: Deletion.
Coding change: c.3712del on transcript NM_000090.4 (MANE Select); coding-DNA position 3712, one base deleted (C; older notation c.3712delC).
Protein change: p.Leu1238fs; shifts the reading frame from leucine 1238.
Molecular consequence: frameshift variant.
Genome position (GRCh38, 1-based): chr2:189,009,110, C deleted. VCF-style (leftmost placement, unchanged base first): chr2-189009109-AC-A. GRCh37 (hg19) VCF-style: chr2-189873835-AC-A.
Other names: c.3712delC (NM_000090.4); short protein forms L1238fs.
Identifiers: ClinVar variation 4688832 (VCV004688832.1).